The following is an entry in ClinVar:

ClinVar aggregate classification (germline): Likely benign. Review status: criteria provided, multiple submitters, no conflicts (2 of 4 stars). 2 submissions from 2 submitters: Likely benign (2). Last evaluated 2022-01-13.

Conditions:
Emery-Dreifuss muscular dystrophy 4, autosomal dominant (EDMD4). Also called: EMERY-DREIFUSS MUSCULAR DYSTROPHY 4 WITH VARIABLE FEATURES. Identifiers: Orphanet 261, MedGen C2751807, MONDO:0013071, OMIM 612998.
Autosomal recessive ataxia, Beauce type. Also called: ATAXIA, RECESSIVE, OF BEAUCE; SYNE1-Related Autosomal Recessive Cerebellar Ataxia; Spinocerebellar ataxia, autosomal recessive 8; SYNE1 Deficiency. Identifiers: Orphanet 88644, MedGen C1853116, MONDO:0012549, OMIM 610743.

Allele frequency attached by ClinVar (database versions not stated): gnomAD exomes 0.00001.
gnomAD v4.1: 7 of 1,613,984 alleles (0.00043%); highest among the groups gnomAD compares: South Asian, 0.0011%; no homozygotes.

Submissions (2):

Labcorp Genetics (formerly Invitae), Labcorp
Classification: Likely benign for Emery-Dreifuss muscular dystrophy 4, autosomal dominant; Autosomal recessive ataxia, Beauce type. Last evaluated: 2022-01-13. Review status: criteria provided, single submitter. Criteria: Invitae Variant Classification Sherloc (09022015). Collection method: clinical testing. Allele origin: germline.

GeneDx
Classification: Likely benign. Last evaluated: 2016-11-08. Review status: criteria provided, single submitter. Criteria: GeneDx Variant Classification (06012015). Collection method: clinical testing. Allele origin: germline. Affected: yes.
Comment: This variant is considered likely benign or benign based on one or more of the following criteria: it is a conservative change, it occurs at a poorly conserved position in the protein, it is predicted to be benign by multiple in silico algorithms, and/or has population frequency not consistent with disease.

NM_182961.4(SYNE1):c.26153+18T>A

Gene: SYNE1 (spectrin repeat containing nuclear envelope protein 1; minus strand). Cytogenetic location: 6q25.2.
Variant type: single nucleotide variant.
Coding change: c.26153+18T>A on transcript NM_182961.4 (MANE Select); 18 bases into the intron after coding-DNA position 26153, T replaced by A.
Molecular consequence: intron variant.
Genome position (GRCh38, 1-based): chr6:152,130,702, A>T on the plus strand (T>A on the coding strand, the complement: SYNE1 is on the minus strand). VCF-style: chr6-152130702-A-T. GRCh37 (hg19) VCF-style: chr6-152451837-A-T.
Other names: c.26009+18T>A (NM_033071.5); c.2700+1420T>A (NM_001347701.2); c.2687+18T>A (NM_001347702.2).
Identifiers: ClinVar variation 390367 (VCV000390367.8), dbSNP rs1057523744, ClinGen allele CA16605036.